The following is an entry in ClinVar:

NM_001009999.3(KDM1A):c.1681G>A (p.Glu561Lys)

Gene: KDM1A (lysine demethylase 1A; plus strand). Cytogenetic location: 1p36.12.
Variant type: single nucleotide variant.
Coding change: c.1681G>A on transcript NM_001009999.3 (MANE Select); coding-DNA position 1681, G replaced by A.
Protein change: p.Glu561Lys; replaces glutamic acid 561 with lysine.
Molecular consequence: missense variant.
Genome position (GRCh38, 1-based): chr1:23,073,350, G>A. VCF-style: chr1-23073350-G-A. GRCh37 (hg19) VCF-style: chr1-23399843-G-A.
Other names: c.1627G>A, p.Glu543Lys (NM_001363654.2); c.1687G>A, p.Glu563Lys (NM_001410762.1); c.1609G>A, p.Glu537Lys (NM_001410763.1, NM_015013.4); short protein forms E543K, E563K, E537K, E561K.
Identifiers: ClinVar variation 5023051 (VCV005023051.1).

ClinVar aggregate classification (germline): Uncertain significance (1 of 4 stars; one submission).

Conditions:
Inborn genetic diseases. Identifiers: MedGen C0950123, MeSH D030342.

gnomAD v4.1: 1 of 1,612,948 alleles (0.000062%); highest among the groups gnomAD compares: Non-Finnish European, 0.000085%; no homozygotes.

Submission:

Ambry Genetics
Classification: Uncertain significance for Inborn genetic diseases. Last evaluated: 2026-06-24. Review status: criteria provided, single submitter. Criteria: Ambry Variant Classification Scheme 2023. Collection method: clinical testing. Allele origin: germline.
Comment: The p.E561K variant (also known as c.1681G>A), located in coding exon 15 of the KDM1A gene, results from a G to A substitution at nucleotide position 1681. The glutamic acid at codon 561 is replaced by lysine, an amino acid with similar properties. This amino acid position is conserved. In addition, this alteration is predicted to be deleterious by in silico analysis. Based on the available evidence, the clinical significance of this variant remains unclear.